The following is an entry in ClinVar:

ClinVar aggregate classification (germline): Pathogenic (1 of 4 stars; one submission).

Conditions:
Hereditary cancer-predisposing syndrome. Also called: Neoplastic Syndromes, Hereditary; Tumor predisposition; Hereditary Cancer Syndrome; Hereditary neoplastic syndrome. Identifiers: Orphanet 140162, MedGen C0027672, MeSH D009386, MONDO:0015356.

Submission:

Ambry Genetics
Classification: Pathogenic for Hereditary cancer-predisposing syndrome. Last evaluated: 2023-08-04. Review status: criteria provided, single submitter. Criteria: Ambry Variant Classification Scheme 2023. Collection method: clinical testing. Allele origin: germline.
Comment: The p.L666* pathogenic mutation (also known as c.1997T>G), located in coding exon 15 of the APC gene, results from a T to G substitution at nucleotide position 1997. This changes the amino acid from a leucine to a stop codon within coding exon 15. This alteration is expected to result in loss of function by premature protein truncation or nonsense-mediated mRNA decay. As such, this alteration is interpreted as a disease-causing mutation.

NM_000038.6(APC):c.1997T>G (p.Leu666Ter)

Gene: APC (APC regulator of Wnt signaling pathway; plus strand). Cytogenetic location: 5q22.2.
Variant type: single nucleotide variant.
Coding change: c.1997T>G on transcript NM_000038.6 (MANE Select); coding-DNA position 1997, T replaced by G.
Protein change: p.Leu666Ter; replaces leucine 666 with a stop codon.
Molecular consequence: nonsense.
Genome position (GRCh38, 1-based): chr5:112,837,591, T>G. VCF-style: chr5-112837591-T-G. GRCh37 (hg19) VCF-style: chr5-112173288-T-G.
Other names: c.1997T>G, p.Leu666Ter (NM_001127510.3, NM_001354895.2, NM_001407450.1); c.1943T>G, p.Leu648Ter (NM_001127511.3); c.2051T>G, p.Leu684Ter (NM_001354896.2, NM_001407447.1, NM_001407448.1 and 1 more transcripts); c.2027T>G, p.Leu676Ter (NM_001354897.2); c.1922T>G, p.Leu641Ter (NM_001354898.2); c.1913T>G, p.Leu638Ter (NM_001354899.2); c.1874T>G, p.Leu625Ter (NM_001354900.2); c.1820T>G, p.Leu607Ter (NM_001354901.2, NM_001407453.1); and 11 more; short protein forms L282*, L575*, L641*, L506*, L537*, L607*, L666*, L694*.
Identifiers: ClinVar variation 1784078 (VCV001784078.3), dbSNP rs2533390096, ClinGen allele CA16025681.